The following is an entry in ClinVar:

ClinVar aggregate classification (germline): Uncertain significance (1 of 4 stars; one submission).

gnomAD v4.1: 8 of 1,211,236 alleles (0.00066%); highest among the groups gnomAD compares: Non-Finnish European, 0.00089%; no homozygotes.

Submission:

Women's Health and Genetics/Laboratory Corporation of America, LabCorp
Classification: Uncertain significance. Last evaluated: 2025-09-04. Review status: criteria provided, single submitter. Criteria: LabCorp Variant Classification Summary - May 2015. Collection method: clinical testing. Allele origin: germline.
Comment: Variant summary: ABCB7 c.2170A>G (p.Lys724Glu) results in a conservative amino acid change in the encoded protein sequence. Algorithms developed to predict the effect of missense changes on protein structure and function all suggest that this variant is likely to be tolerated. The variant was absent in 183252 control chromosomes. The available data on variant occurrences in the general population are insufficient to allow any conclusion about variant significance. To our knowledge, no occurrence of c.2170A>G in individuals affected with ABCB7-related conditions and no experimental evidence demonstrating its impact on protein function have been reported. No submitters have cited clinical-significance assessments for this variant to ClinVar. Based on the evidence outlined above, the variant was classified as uncertain significance.

NM_001271696.3(ABCB7):c.2167A>G (p.Lys723Glu)

Gene: ABCB7 (ATP binding cassette subfamily B member 7; minus strand). Cytogenetic location: Xq13.3.
Variant type: single nucleotide variant.
Coding change: c.2167A>G on transcript NM_001271696.3 (MANE Select); coding-DNA position 2167, A replaced by G.
Protein change: p.Lys723Glu; replaces lysine 723 with glutamic acid.
Molecular consequence: missense variant.
Genome position (GRCh38, 1-based): chrX:75,053,462, T>C on the plus strand (A>G on the coding strand, the complement: ABCB7 is on the minus strand). VCF-style: chrX-75053462-T-C. GRCh37 (hg19) VCF-style: chrX-74273297-T-C.
Other names: c.2047A>G, p.Lys683Glu (NM_001271697.3); c.2089A>G, p.Lys697Glu (NM_001271698.3); c.2050A>G, p.Lys684Glu (NM_001271699.3); c.2170A>G, p.Lys724Glu (NM_004299.6); short protein forms K683E, K684E, K697E, K723E, K724E.
Identifiers: ClinVar variation 4535812 (VCV004535812.1).